The following is an entry in ClinVar:

ClinVar aggregate classification (germline): Pathogenic (1 of 4 stars; one submission).

Conditions:
Kabuki syndrome 1 (KABUK1). Also called: KMT2D-Related Kabuki Syndrome. Identifiers: Orphanet 2322, MedGen CN030661, MONDO:0007843, OMIM 147920.

Submission:

Johns Hopkins Genomics, Johns Hopkins University
Classification: Pathogenic for Kabuki syndrome 1. Last evaluated: 2018-12-27. Review status: criteria provided, single submitter. Criteria: ACMG Guidelines, 2015. Collection method: clinical testing. Allele origin: germline.
Comment: A variant was identified in KMT2D that has not been previously reported in academic literature to our knowledge. Additionally, this variant is absent from large population and variant datasets. This frameshift variant results in a premature stop codon in exon 39 of 54 likely leading to nonsense-mediated decay and lack of protein production. Based on the predicted molecular consequence of this variant, this variant is considered pathogenic.

NM_003482.4(KMT2D):c.12878_12893del (p.Pro4293fs)

Gene: KMT2D (lysine methyltransferase 2D; minus strand). Cytogenetic location: 12q13.12.
Variant type: Deletion.
Coding change: c.12878_12893del on transcript NM_003482.4 (MANE Select); coding-DNA positions 12878 to 12893, 16 bases deleted (CAGGAGCCTTATCTAC).
Protein change: p.Pro4293fs; shifts the reading frame from proline 4293.
Molecular consequence: frameshift variant.
Genome position (GRCh38, 1-based): chr12:49,031,812-49,031,827, GTAGATAAGGCTCCTG deleted on the plus strand (CAGGAGCCTTATCTAC on the coding strand, the reverse complement: KMT2D is on the minus strand); deleting any 16 consecutive bases within chr12:49,031,812-49,031,829 gives the same sequence; the c. name uses the placement nearest the transcript's 3' end. VCF-style (leftmost placement, unchanged base first): chr12-49031811-TGTAGATAAGGCTCCTG-T. GRCh37 (hg19) VCF-style: chr12-49425594-TGTAGATAAGGCTCCTG-T.
Other names: short protein forms P4293fs.
Identifiers: ClinVar variation 619211 (VCV000619211.1), dbSNP rs1565773113, ClinGen allele CA913190446.